The following is an entry in ClinVar:

ClinVar aggregate classification (germline): Uncertain significance (1 of 4 stars; one submission).

Conditions:
Inborn genetic diseases. Identifiers: MedGen C0950123, MeSH D030342.

gnomAD v4.1: 1 of 1,613,984 alleles (0.000062%); highest among the groups gnomAD compares: Non-Finnish European, 0.000085%; no homozygotes.

Submission:

Ambry Genetics
Classification: Uncertain significance for Inborn genetic diseases. Last evaluated: 2024-12-13. Review status: criteria provided, single submitter. Criteria: Ambry Variant Classification Scheme 2023. Collection method: clinical testing. Allele origin: germline.
Comment: The p.V1896L variant (also known as c.5686G>T), located in coding exon 21 of the FANCM gene, results from a G to T substitution at nucleotide position 5686. The valine at codon 1896 is replaced by leucine, an amino acid with highly similar properties. This amino acid position is conserved. In addition, this alteration is predicted to be tolerated by in silico analysis. Based on the available evidence, the clinical significance of this variant remains unclear.

NM_020937.4(FANCM):c.5686G>T (p.Val1896Leu)

Gene: FANCM (FA complementation group M; plus strand). Cytogenetic location: 14q21.2.
Variant type: single nucleotide variant.
Coding change: c.5686G>T on transcript NM_020937.4 (MANE Select); coding-DNA position 5686, G replaced by T.
Protein change: p.Val1896Leu; replaces valine 1896 with leucine.
Molecular consequence: missense variant.
Genome position (GRCh38, 1-based): chr14:45,196,517, G>T. VCF-style: chr14-45196517-G-T. GRCh37 (hg19) VCF-style: chr14-45665720-G-T.
Other names: c.5608G>T, p.Val1870Leu (NM_001308133.2); short protein forms V1870L, V1896L.
Identifiers: ClinVar variation 3848490 (VCV003848490.1).